The following is an entry in ClinVar:

NM_006231.4(POLE):c.5063C>G (p.Pro1688Arg)

Gene: POLE (DNA polymerase epsilon, catalytic subunit; minus strand). Cytogenetic location: 12q24.33.
Variant type: single nucleotide variant.
Coding change: c.5063C>G on transcript NM_006231.4 (MANE Select); coding-DNA position 5063, C replaced by G.
Protein change: p.Pro1688Arg; replaces proline 1688 with arginine.
Molecular consequence: missense variant.
Genome position (GRCh38, 1-based): chr12:132,642,287, G>C on the plus strand (C>G on the coding strand, the complement: POLE is on the minus strand). VCF-style: chr12-132642287-G-C. GRCh37 (hg19) VCF-style: chr12-133218873-G-C.
Other names: short protein forms P1688R.
Identifiers: ClinVar variation 3308352 (VCV003308352.3).
Genomic context (GRCh38, chr12:132,642,287, plus strand): 5'-AACTCCATGACAAGACAGTTGTCATCAGCCTCCTTTCCACCCAGGTCAGGGCGGGCTGTA[G>C]GGGACAGCCAGAGCAGGTGGTTGTGGCGCTGGAGGTGGCGGGCAAAGAAGAGGTCGGAGC-3'
Protein context (NP_006222.2, residues 1678-1698): QRHNHLLWLS[Pro1688Arg]TARPDLGGKE

ClinVar aggregate classification (germline): Uncertain significance. Review status: criteria provided, multiple submitters, no conflicts (2 of 4 stars). 2 submissions from 2 submitters: Uncertain significance (2). Last evaluated 2025-10-28.

Conditions:
Hereditary cancer-predisposing syndrome. Also called: Tumor predisposition; Hereditary Cancer Syndrome; Hereditary neoplastic syndrome; Neoplastic Syndromes, Hereditary. Identifiers: Orphanet 140162, MedGen C0027672, MeSH D009386, MONDO:0015356.

Submissions (2):

Labcorp Genetics (formerly Invitae), Labcorp
Classification: Uncertain significance. Last evaluated: 2025-10-28. Review status: criteria provided, single submitter. Criteria: Invitae Variant Classification Sherloc (09022015). Collection method: clinical testing. Allele origin: germline.
Comment: This sequence change replaces proline, which is neutral and non-polar, with arginine, which is basic and polar, at codon 1688 of the POLE protein (p.Pro1688Arg). This variant is not present in population databases (gnomAD no frequency). This variant has not been reported in the literature in individuals affected with POLE-related conditions. ClinVar contains an entry for this variant (Variation ID: 3308352). Invitae Evidence Modeling of protein sequence and biophysical properties (such as structural, functional, and spatial information, amino acid conservation, physicochemical variation, residue mobility, and thermodynamic stability) indicates that this missense variant is not expected to disrupt POLE protein function with a negative predictive value of 80%. In summary, the available evidence is currently insufficient to determine the role of this variant in disease. Therefore, it has been classified as a Variant of Uncertain Significance.

Ambry Genetics
Classification: Uncertain significance for Hereditary cancer-predisposing syndrome. Last evaluated: 2024-06-09. Review status: criteria provided, single submitter. Criteria: Ambry Variant Classification Scheme 2023. Collection method: clinical testing. Allele origin: germline.
Comment: The p.P1688R variant (also known as c.5063C>G), located in coding exon 38 of the POLE gene, results from a C to G substitution at nucleotide position 5063. The proline at codon 1688 is replaced by arginine, an amino acid with dissimilar properties. This amino acid position is conserved. In addition, the in silico prediction for this alteration is inconclusive. Based on the available evidence, the clinical significance of this variant remains unclear.